The following is an entry in ClinVar:

NM_024741.3(ZNF408):c.1438C>A (p.Gln480Lys)

Gene: ZNF408 (zinc finger protein 408; plus strand). Cytogenetic location: 11p11.2.
Variant type: single nucleotide variant.
Coding change: c.1438C>A on transcript NM_024741.3 (MANE Select); coding-DNA position 1438, C replaced by A.
Protein change: p.Gln480Lys; replaces glutamine 480 with lysine.
Molecular consequence: missense variant.
Genome position (GRCh38, 1-based): chr11:46,705,138, C>A. VCF-style: chr11-46705138-C-A. GRCh37 (hg19) VCF-style: chr11-46726688-C-A.
Other names: c.1414C>A, p.Gln472Lys (NM_001184751.2); short protein forms Q472K, Q480K.
Identifiers: ClinVar variation 954910 (VCV000954910.11), dbSNP rs1167211539, ClinGen allele CA380256082.

ClinVar aggregate classification (germline): Uncertain significance. Review status: criteria provided, multiple submitters, no conflicts (2 of 4 stars). 3 submissions from 3 submitters: Uncertain significance (3). Last evaluated 2025-01-16.

Conditions:
Inborn genetic diseases. Identifiers: MedGen C0950123, MeSH D030342.

Allele frequency attached by ClinVar (database versions not stated): gnomAD exomes below 0.00001; TOPMed 0.00001; gnomAD 0.00002.

Submissions (3):

Ambry Genetics
Classification: Uncertain significance for Inborn genetic diseases. Last evaluated: 2025-01-16. Review status: criteria provided, single submitter. Criteria: Ambry Variant Classification Scheme 2023. Collection method: clinical testing. Allele origin: germline.

Labcorp Genetics (formerly Invitae), Labcorp
Classification: Uncertain significance. Last evaluated: 2024-11-25. Review status: criteria provided, single submitter. Criteria: Invitae Variant Classification Sherloc (09022015). Collection method: clinical testing. Allele origin: germline.
Comment: This sequence change replaces glutamine, which is neutral and polar, with lysine, which is basic and polar, at codon 480 of the ZNF408 protein (p.Gln480Lys). This variant is present in population databases (no rsID available, gnomAD 0.01%). This variant has not been reported in the literature in individuals affected with ZNF408-related conditions. ClinVar contains an entry for this variant (Variation ID: 954910). An algorithm developed to predict the effect of missense changes on protein structure and function (PolyPhen-2) suggests that this variant is likely to be tolerated. In summary, the available evidence is currently insufficient to determine the role of this variant in disease. Therefore, it has been classified as a Variant of Uncertain Significance.

Breakthrough Genomics
Classification: Uncertain significance. Review status: criteria provided, single submitter. Criteria: ACMG Guidelines, 2015. Collection method: not provided. Allele origin: germline. Inheritance: Autosomal recessive inheritance. Affected: yes.